The following is an entry in ClinVar:

ClinVar aggregate classification (germline): Benign. Review status: criteria provided, multiple submitters, no conflicts (2 of 4 stars). 4 submissions from 4 submitters: Benign (4). Last evaluated 2026-01-28.

Allele frequency attached by ClinVar (database versions not stated): ESP Exome Variant Server 0.01761; gnomAD exomes 0.02152 and 0.03443; TOPMed 0.02405; gnomAD 0.02835 and 0.02836; ExAC 0.03230; 1000 Genomes Project 30x 0.03326; 1000 Genomes Project 0.03494.
gnomAD v4.1: 35,776 of 1,613,792 alleles (2.2%); highest among the groups gnomAD compares: East Asian, 9.2%; 867 homozygotes.

Submissions (4):

Labcorp Genetics (formerly Invitae), Labcorp
Classification: Benign. Last evaluated: 2026-01-28. Review status: criteria provided, single submitter. Criteria: Invitae Variant Classification Sherloc (09022015). Collection method: clinical testing. Allele origin: germline.

Mayo Clinic Laboratories, Mayo Clinic
Classification: Benign. Last evaluated: 2023-11-03. Review status: criteria provided, single submitter. Criteria: ACMG Guidelines, 2015. Collection method: clinical testing. Allele origin: germline. Observed: 4 variant alleles.
Comment: BA1, BS2, BP4_strong

GeneDx
Classification: Benign. Last evaluated: 2021-06-09. Review status: criteria provided, single submitter. Criteria: GeneDx Variant Classification Process June 2021. Collection method: clinical testing. Allele origin: germline. Affected: yes.
Comment: This variant is associated with the following publications: (PMID: 23153507)

Breakthrough Genomics
Classification: Benign. Review status: criteria provided, single submitter. Criteria: ACMG Guidelines, 2015. Collection method: not provided. Allele origin: germline. Inheritance: Autosomal recessive inheritance. Affected: yes.

Literature cited by the submitters: PubMed 23153507 (cited by Mayo Clinic Laboratories, Mayo Clinic).

NM_003638.3(ITGA8):c.1730C>T (p.Ser577Phe)

Gene: ITGA8 (integrin subunit alpha 8; minus strand). Cytogenetic location: 10p13.
Variant type: single nucleotide variant.
Coding change: c.1730C>T on transcript NM_003638.3 (MANE Select); coding-DNA position 1730, C replaced by T.
Protein change: p.Ser577Phe; replaces serine 577 with phenylalanine.
Molecular consequence: missense variant.
Genome position (GRCh38, 1-based): chr10:15,607,711, G>A on the plus strand (C>T on the coding strand, the complement: ITGA8 is on the minus strand). VCF-style: chr10-15607711-G-A. GRCh37 (hg19) VCF-style: chr10-15649710-G-A.
Other names: p.Ser577Phe; c.1685C>T, p.Ser562Phe (NM_001291494.2); short protein forms S562F, S577F.
Identifiers: ClinVar variation 1238988 (VCV001238988.13), dbSNP rs2298033, ClinGen allele CA5420098.